The following is an entry in ClinVar:

NM_176787.5(PIGN):c.1173-1G>T

Genes: PIGN (phosphatidylinositol glycan anchor biosynthesis class N; minus strand), LOC132090498 (Neanderthal introgressed variant-containing enhancer experimental_48738; plus strand). Cytogenetic location: 18q21.33.
Variant type: single nucleotide variant.
Coding change: c.1173-1G>T on transcript NM_176787.5 (MANE Select); the canonical splice acceptor site of the intron before coding-DNA position 1173, G replaced by T.
Molecular consequence: splice acceptor variant.
Genome position (GRCh38, 1-based): chr18:62,114,640, C>A on the plus strand (G>T on the coding strand, the complement: PIGN is on the minus strand). VCF-style: chr18-62114640-C-A. GRCh37 (hg19) VCF-style: chr18-59781873-C-A.
Other names: c.1173-1G>T (NM_012327.6).
Identifiers: ClinVar variation 1487949 (VCV001487949.6), dbSNP rs2035018293, ClinGen allele CA402606240.

ClinVar aggregate classification (germline): Likely pathogenic (1 of 4 stars; one submission).

Conditions:
Multiple congenital anomalies-hypotonia-seizures syndrome 1 (MCAHS1). Also called: GLYCOSYLPHOSPHATIDYLINOSITOL BIOSYNTHESIS DEFECT 3; PIGN-CDG; Congenital disorder of glycosylation due to PIGN deficiency. Identifiers: Orphanet 280633, MedGen C3279775, MONDO:0013563, OMIM 614080.

Allele frequency attached by ClinVar (database versions not stated): TOPMed below 0.00001.

Submission:

Labcorp Genetics (formerly Invitae), Labcorp
Classification: Likely pathogenic for Multiple congenital anomalies-hypotonia-seizures syndrome 1. Last evaluated: 2024-02-24. Review status: criteria provided, single submitter. Criteria: Invitae Variant Classification Sherloc (09022015). Collection method: clinical testing. Allele origin: germline.
Comment: This sequence change affects an acceptor splice site in intron 14 of the PIGN gene. It is expected to disrupt RNA splicing. Variants that disrupt the donor or acceptor splice site typically lead to a loss of protein function (PMID: 16199547), and loss-of-function variants in PIGN are known to be pathogenic (PMID: 24253414, 27038415). This variant is not present in population databases (gnomAD no frequency). This variant has not been reported in the literature in individuals affected with PIGN-related conditions. ClinVar contains an entry for this variant (Variation ID: 1487949). Algorithms developed to predict the effect of sequence changes on RNA splicing suggest that this variant may disrupt the consensus splice site. In summary, the currently available evidence indicates that the variant is pathogenic, but additional data are needed to prove that conclusively. Therefore, this variant has been classified as Likely Pathogenic.

Literature cited by the submitters: PubMed 16199547; PubMed 24253414; PubMed 27038415.